The following is an entry in ClinVar:

NM_022124.6(CDH23):c.5765A>G (p.Tyr1922Cys)

Gene: CDH23 (cadherin related 23; plus strand). Cytogenetic location: 10q22.1.
Variant type: single nucleotide variant.
Coding change: c.5765A>G on transcript NM_022124.6 (MANE Select); coding-DNA position 5765, A replaced by G.
Protein change: p.Tyr1922Cys; replaces tyrosine 1922 with cysteine.
Molecular consequence: missense variant.
Genome position (GRCh38, 1-based): chr10:71,785,683, A>G. VCF-style: chr10-71785683-A-G. GRCh37 (hg19) VCF-style: chr10-73545440-A-G.
Other names: short protein forms Y1922C.
Identifiers: ClinVar variation 2134766 (VCV002134766.4), dbSNP rs2494361991, ClinGen allele CA377147844.

ClinVar aggregate classification (germline): Uncertain significance (1 of 4 stars; one submission).

Submission:

Labcorp Genetics (formerly Invitae), Labcorp
Classification: Uncertain significance. Last evaluated: 2022-05-06. Review status: criteria provided, single submitter. Criteria: Invitae Variant Classification Sherloc (09022015). Collection method: clinical testing. Allele origin: germline.
Comment: This sequence change replaces tyrosine, which is neutral and polar, with cysteine, which is neutral and slightly polar, at codon 1922 of the CDH23 protein (p.Tyr1922Cys). This variant is not present in population databases (gnomAD no frequency). This variant has not been reported in the literature in individuals affected with CDH23-related conditions. Algorithms developed to predict the effect of missense changes on protein structure and function are either unavailable or do not agree on the potential impact of this missense change (SIFT: "Deleterious"; PolyPhen-2: "Not Available"; Align-GVGD: "Class C65"). In summary, the available evidence is currently insufficient to determine the role of this variant in disease. Therefore, it has been classified as a Variant of Uncertain Significance.